The following is an entry in ClinVar:

ClinVar aggregate classification (germline): Uncertain significance. Review status: criteria provided, multiple submitters, no conflicts (2 of 4 stars). 2 submissions from 2 submitters: Uncertain significance (2). Last evaluated 2024-04-25.

Conditions:
Marfan syndrome (MFS). Also called: FBN1-Related Marfan Syndrome; Marfan syndrome type 1; Marfan's syndrome; Marfan syndrome, classic; MARFAN SYNDROME, TYPE I. Identifiers: Orphanet 284963, Orphanet 558, MedGen C0024796, MONDO:0007947, OMIM 154700.
Familial thoracic aortic aneurysm and aortic dissection (TAAD). Also called: Thoracic aortic aneurysms and dissections. Identifiers: Orphanet 91387, MedGen C4707243, MONDO:0019625.

Allele frequency attached by ClinVar (database versions not stated): TOPMed below 0.00001.

Submissions (2):

All of Us Research Program, National Institutes of Health
Classification: Uncertain significance for Marfan syndrome. Last evaluated: 2024-04-25. Review status: criteria provided, single submitter. Criteria: ACMG Guidelines, 2015. Collection method: clinical testing. Allele origin: germline. Inheritance: Autosomal dominant inheritance. Observed: 1 variant allele, 1 heterozygote.
Comment: This missense variant replaces arginine with isoleucine at codon 1943 of the FBN1 protein. Computational prediction suggests that this variant may have deleterious impact on protein structure and function (internally defined REVEL score threshold >= 0.7, PMID: 27666373). To our knowledge, functional studies have not been reported for this variant. This variant has not been reported in individuals affected with FBN1-related disorders in the literature. This variant has not been identified in the general population by the Genome Aggregation Database (gnomAD). The available evidence is insufficient to determine the role of this variant in disease conclusively. Therefore, this variant is classified as a Variant of Uncertain Significance.

This study involves interpretation of variants in research participants for the purpose of population health screening. Participant phenotype was not available at the time of variant classification. Additional details can be found in publication PMID: 35346344, PMCID: PMC8962531

Labcorp Genetics (formerly Invitae), Labcorp
Classification: Uncertain significance for Marfan syndrome; Familial thoracic aortic aneurysm and aortic dissection. Last evaluated: 2018-04-30. Review status: criteria provided, single submitter. Criteria: Invitae Variant Classification Sherloc (09022015). Collection method: clinical testing. Allele origin: germline.
Comment: Algorithms developed to predict the effect of missense changes on protein structure and function do not agree on the potential impact of this missense change (SIFT: "Deleterious"; PolyPhen-2: "Benign"; Align-GVGD: "Class C0"). In summary, the available evidence is currently insufficient to determine the role of this variant in disease. Therefore, it has been classified as a Variant of Uncertain Significance. This variant has not been reported in the literature in individuals with FBN1-related disease. This sequence change replaces arginine with isoleucine at codon 1943 of the FBN1 protein (p.Arg1943Ile). The arginine residue is highly conserved and there is a moderate physicochemical difference between arginine and isoleucine. This variant is not present in population databases (ExAC no frequency).

NM_000138.5(FBN1):c.5828G>T (p.Arg1943Ile)

Gene: FBN1 (fibrillin 1; minus strand). Cytogenetic location: 15q21.1.
Variant type: single nucleotide variant.
Coding change: c.5828G>T on transcript NM_000138.5 (MANE Select); coding-DNA position 5828, G replaced by T.
Protein change: p.Arg1943Ile; replaces arginine 1943 with isoleucine.
Molecular consequence: missense variant.
Genome position (GRCh38, 1-based): chr15:48,445,465, C>A on the plus strand (G>T on the coding strand, the complement: FBN1 is on the minus strand). VCF-style: chr15-48445465-C-A. GRCh37 (hg19) VCF-style: chr15-48737662-C-A.
Other names: short protein forms R1943I.
Identifiers: ClinVar variation 577401 (VCV000577401.9), dbSNP rs1566898433, ClinGen allele CA392340118.
Genomic context (GRCh38, chr15:48,445,465, plus strand): 5'-TCATAGCCTTCATTGCACTGGCACTGGAAAGACCCCACTGTATTAATGCATTGGCCATTT[C>A]TGCAAAGATTCCCATTTCCACTTGCACATTCATCAACATCTGCAGAAAAATCCCCAACAA-3'
Protein context (NP_000129.3, residues 1933-1953): ECASGNGNLC[Arg1943Ile]NGQCINTVGS